The following is an entry in ClinVar:

NM_001256007.3(PNPLA8):c.373C>T (p.Arg125Cys)

Gene: PNPLA8 (patatin like domain 8, phospholipase A2; minus strand). Cytogenetic location: 7q31.1.
Variant type: single nucleotide variant.
Coding change: c.373C>T on transcript NM_001256007.3 (MANE Select); coding-DNA position 373, C replaced by T.
Protein change: p.Arg125Cys; replaces arginine 125 with cysteine.
Molecular consequence: missense variant.
Genome position (GRCh38, 1-based): chr7:108,515,119, G>A on the plus strand (C>T on the coding strand, the complement: PNPLA8 is on the minus strand). VCF-style: chr7-108515119-G-A. GRCh37 (hg19) VCF-style: chr7-108155563-G-A.
Other names: c.373C>T, p.Arg125Cys (NM_001256008.3, NM_001256009.3, NM_015723.5); c.73C>T, p.Arg25Cys (NM_001256010.3, NM_001256011.3); short protein forms R125C, R25C.
Identifiers: ClinVar variation 1031939 (VCV001031939.3), dbSNP rs760704135, ClinGen allele CA4439838.

ClinVar aggregate classification (germline): Uncertain significance. Review status: criteria provided, multiple submitters, no conflicts (2 of 4 stars). 2 submissions from 2 submitters: Uncertain significance (2). Last evaluated 2022-07-08.

Conditions:
Mitochondrial myopathy-lactic acidosis-deafness syndrome. Identifiers: Orphanet 2597, MedGen C1855033, MONDO:0016825, OMIM 251950.

Allele frequency attached by ClinVar (database versions not stated): gnomAD 0.00001; TOPMed 0.00001; ExAC 0.00002; gnomAD exomes 0.00002 and 0.00003.
gnomAD v4.1: 26 of 1,606,278 alleles (0.0016%); highest among the groups gnomAD compares: South Asian, 0.0099%; no homozygotes.

Submissions (2):

Labcorp Genetics (formerly Invitae), Labcorp
Classification: Uncertain significance. Last evaluated: 2022-07-08. Review status: criteria provided, single submitter. Criteria: Invitae Variant Classification Sherloc (09022015). Collection method: clinical testing. Allele origin: germline.
Comment: This sequence change replaces arginine, which is basic and polar, with cysteine, which is neutral and slightly polar, at codon 125 of the PNPLA8 protein (p.Arg125Cys). This variant is present in population databases (rs760704135, gnomAD 0.01%). This variant has not been reported in the literature in individuals affected with PNPLA8-related conditions. ClinVar contains an entry for this variant (Variation ID: 1031939). Algorithms developed to predict the effect of missense changes on protein structure and function are either unavailable or do not agree on the potential impact of this missense change (SIFT: "Deleterious"; PolyPhen-2: "Benign"; Align-GVGD: "Class C55"). In summary, the available evidence is currently insufficient to determine the role of this variant in disease. Therefore, it has been classified as a Variant of Uncertain Significance.

Baylor Genetics
Classification: Uncertain significance for Mitochondrial myopathy-lactic acidosis-deafness syndrome. Last evaluated: 2018-04-05. Review status: criteria provided, single submitter. Criteria: ACMG Guidelines, 2015. Collection method: clinical testing. Allele origin: unknown. Affected: yes.
Comment: This variant was determined to be of uncertain significance according to ACMG Guidelines, 2015 [PMID:25741868].